The following is an entry in ClinVar:

ClinVar aggregate classification (germline): Uncertain significance (1 of 4 stars; one submission).

gnomAD v4.1: 23 of 1,613,638 alleles (0.0014%); highest among the groups gnomAD compares: Admixed American, 0.0033%; no homozygotes.

Submission:

Labcorp Genetics (formerly Invitae), Labcorp
Classification: Uncertain significance. Last evaluated: 2023-10-24. Review status: criteria provided, single submitter. Criteria: Invitae Variant Classification Sherloc (09022015). Collection method: clinical testing. Allele origin: germline.
Comment: This sequence change replaces arginine, which is basic and polar, with cysteine, which is neutral and slightly polar, at codon 412 of the C5 protein (p.Arg412Cys). This variant is present in population databases (no rsID available, gnomAD 0.003%). This variant has not been reported in the literature in individuals affected with C5-related conditions. Advanced modeling of protein sequence and biophysical properties (such as structural, functional, and spatial information, amino acid conservation, physicochemical variation, residue mobility, and thermodynamic stability) performed at Invitae indicates that this missense variant is expected to disrupt C5 protein function with a positive predictive value of 80%. In summary, the available evidence is currently insufficient to determine the role of this variant in disease. Therefore, it has been classified as a Variant of Uncertain Significance.

NM_001735.3(C5):c.1234C>T (p.Arg412Cys)

Gene: C5 (complement C5; minus strand). Cytogenetic location: 9q33.2.
Variant type: single nucleotide variant.
Coding change: c.1234C>T on transcript NM_001735.3 (MANE Select); coding-DNA position 1234, C replaced by T.
Protein change: p.Arg412Cys; replaces arginine 412 with cysteine.
Molecular consequence: missense variant.
Genome position (GRCh38, 1-based): chr9:121,021,577, G>A on the plus strand (C>T on the coding strand, the complement: C5 is on the minus strand). VCF-style: chr9-121021577-G-A. GRCh37 (hg19) VCF-style: chr9-123783855-G-A.
Other names: c.1252C>T, p.Arg418Cys (NM_001317163.2); c.1234C>T, p.Arg412Cys (NM_001317164.2); short protein forms R412C, R418C.
Identifiers: ClinVar variation 2993766 (VCV002993766.2), dbSNP rs148822412, ClinGen allele CA374752710.